The following is an entry in ClinVar:

NM_001031689.3(PLAA):c.1750T>C (p.Cys584Arg)

Gene: PLAA (phospholipase A2 activating protein; minus strand). Cytogenetic location: 9p21.2.
Variant type: single nucleotide variant.
Coding change: c.1750T>C on transcript NM_001031689.3 (MANE Select); coding-DNA position 1750, T replaced by C.
Protein change: p.Cys584Arg; replaces cysteine 584 with arginine.
Molecular consequence: missense variant.
Genome position (GRCh38, 1-based): chr9:26,907,906, A>G on the plus strand (T>C on the coding strand, the complement: PLAA is on the minus strand). VCF-style: chr9-26907906-A-G. GRCh37 (hg19) VCF-style: chr9-26907904-A-G.
Other names: c.1681T>C, p.Cys561Arg (NM_001321546.2); short protein forms C561R, C584R.
Identifiers: ClinVar variation 2777165 (VCV002777165.3), dbSNP rs1375805046, ClinGen allele CA373128815.

ClinVar aggregate classification (germline): Uncertain significance (1 of 4 stars; one submission).

Allele frequency attached by ClinVar (database versions not stated): gnomAD exomes below 0.00001.
gnomAD v4.1: 6 of 1,612,186 alleles (0.00037%); highest among the groups gnomAD compares: South Asian, 0.0044%; no homozygotes.

Submission:

Labcorp Genetics (formerly Invitae), Labcorp
Classification: Uncertain significance. Last evaluated: 2023-06-18. Review status: criteria provided, single submitter. Criteria: Invitae Variant Classification Sherloc (09022015). Collection method: clinical testing. Allele origin: germline.
Comment: This sequence change replaces cysteine, which is neutral and slightly polar, with arginine, which is basic and polar, at codon 584 of the PLAA protein (p.Cys584Arg). This variant is present in population databases (no rsID available, gnomAD 0.003%). This variant has not been reported in the literature in individuals affected with PLAA-related conditions. Advanced modeling of protein sequence and biophysical properties (such as structural, functional, and spatial information, amino acid conservation, physicochemical variation, residue mobility, and thermodynamic stability) performed at Invitae indicates that this missense variant is not expected to disrupt PLAA protein function. In summary, the available evidence is currently insufficient to determine the role of this variant in disease. Therefore, it has been classified as a Variant of Uncertain Significance.